The following is an entry in ClinVar:

NM_001032283.3(TMPO):c.266C>T (p.Ala89Val)

Genes: TMPO (thymopoietin; plus strand), TMPO-AS1 (TMPO antisense RNA 1; minus strand), LOC130008520 (ATAC-STARR-seq lymphoblastoid silent region 4752; plus strand). Cytogenetic location: 12q23.1.
Variant type: single nucleotide variant.
Coding change: c.266C>T on transcript NM_001032283.3 (MANE Select); coding-DNA position 266, C replaced by T.
Protein change: p.Ala89Val; replaces alanine 89 with valine.
Molecular consequence: missense variant. On other transcripts: non-coding transcript variant (1).
Genome position (GRCh38, 1-based): chr12:98,516,133, C>T. VCF-style: chr12-98516133-C-T. GRCh37 (hg19) VCF-style: chr12-98909911-C-T.
Other names: c.266C>T, p.Ala89Val (NM_001032284.3, NM_001307975.2, NM_003276.2); short protein forms A89V.
Identifiers: ClinVar variation 4844291 (VCV004844291.1).

ClinVar aggregate classification (germline): Uncertain significance (1 of 4 stars; one submission).

Submission:

Ambry Genetics
Classification: Uncertain significance. Last evaluated: 2026-01-24. Review status: criteria provided, single submitter. Criteria: Ambry Variant Classification Scheme 2023. Collection method: clinical testing. Allele origin: germline.
Comment: The p.A89V variant (also known as c.266C>T), located in coding exon 1 of the TMPO gene, results from a C to T substitution at nucleotide position 266. The alanine at codon 89 is replaced by valine, an amino acid with similar properties. This amino acid position is conserved. In addition, this alteration is predicted to be tolerated by in silico analysis. Based on the available evidence, the clinical significance of this variant remains unclear.